The following is an entry in ClinVar:

ClinVar aggregate classification (germline): Benign. Review status: criteria provided, multiple submitters, no conflicts (2 of 4 stars). 2 submissions from 2 submitters: Benign (2). Last evaluated 2018-01-13.

Conditions:
Charcot-Marie-Tooth disease dominant intermediate C (CMTDIC). Also called: CHARCOT-MARIE-TOOTH NEUROPATHY, DOMINANT INTERMEDIATE C. Identifiers: Orphanet 100045, MedGen C1842237, MONDO:0012012, OMIM 608323.

Allele frequency attached by ClinVar (database versions not stated): TOPMed 0.00485; 1000 Genomes Project 0.00260; gnomAD 0.00444 and 0.00447; 1000 Genomes Project 30x 0.00281; gnomAD exomes 0.00374.
gnomAD v4.1: 779 of 179,426 alleles (0.43%); highest among the groups gnomAD compares: Admixed American, 0.73%; 6 homozygotes.

Submissions (2):

Illumina Laboratory Services, Illumina
Classification: Benign for Charcot-Marie-Tooth disease dominant intermediate C. Last evaluated: 2018-01-13. Review status: criteria provided, single submitter. Criteria: ICSL Variant Classification Criteria 13 December 2019. Collection method: clinical testing. Allele origin: germline.
Comment: This variant was observed in the ICSL laboratory as part of a predisposition screen in an ostensibly healthy population. It had not been previously curated by ICSL or reported in the Human Gene Mutation Database (HGMD: prior to June 1st, 2018), and was therefore a candidate for classification through an automated scoring system. Utilizing variant allele frequency, disease prevalence and penetrance estimates, and inheritance mode, an automated score was calculated to assess if this variant is too frequent to cause the disease. Based on the score and internal cut-off values, a variant classified as benign is not then subjected to further curation. The score for this variant resulted in a classification of benign for this disease.

Breakthrough Genomics
Classification: Benign. Review status: criteria provided, single submitter. Criteria: ACMG Guidelines, 2015. Collection method: not provided. Allele origin: germline. Inheritance: Unknown mechanism. Affected: yes.

NM_003680.3(YARS1):c.-539G>T

Genes: S100PBP (S100P binding protein; plus strand), YARS1 (tyrosyl-tRNA synthetase 1; minus strand). Cytogenetic location: 1p35.1.
Variant type: single nucleotide variant.
Coding change: c.-539G>T on transcript NM_003680.3; 539 bases upstream of the start codon, G replaced by T.
Molecular consequence: intron variant (on NM_022753.4).
Genome position (GRCh38, 1-based): chr1:32,817,783, C>A on the plus strand (G>T on the coding strand, the complement: YARS1 is on the minus strand). VCF-style: chr1-32817783-C-A. GRCh37 (hg19) VCF-style: chr1-33283384-C-A.
Other names: c.-120+184C>A (NM_001256121.2); c.-120+94C>A (NM_022753.4).
Identifiers: ClinVar variation 297172 (VCV000297172.8), dbSNP rs114349735, ClinGen allele CA10610952.